The following is an entry in ClinVar:

ClinVar aggregate classification (germline): Uncertain significance (1 of 4 stars; one submission).

Conditions:
Hereditary pancreatitis (PCTT). Also called: Hereditary chronic pancreatitis; PRSS1-Related Hereditary Pancreatitis. Identifiers: Orphanet 676, MedGen C0238339, MONDO:0008185, OMIM 167800.

Allele frequency attached by ClinVar (database versions not stated): gnomAD exomes below 0.00001.
gnomAD v4.1: 2 of 1,614,120 alleles (0.00012%); highest among the groups gnomAD compares: Non-Finnish European, 0.000085%; no homozygotes.

Submission:

Ambry Genetics
Classification: Uncertain significance for Hereditary pancreatitis. Last evaluated: 2022-04-24. Review status: criteria provided, single submitter. Criteria: Ambry Variant Classification Scheme 2023. Collection method: clinical testing. Allele origin: germline.
Comment: The p.G103S variant (also known as c.307G>A), located in coding exon 4 of the CTRC gene, results from a G to A substitution at nucleotide position 307. The glycine at codon 103 is replaced by serine, an amino acid with similar properties. This amino acid position is conserved. In addition, this alteration is predicted to be tolerated by in silico analysis. Since supporting evidence is limited at this time, the clinical significance of this alteration remains unclear.

NM_007272.3(CTRC):c.307G>A (p.Gly103Ser)

Gene: CTRC (chymotrypsin C; plus strand). Cytogenetic location: 1p36.21.
Variant type: single nucleotide variant.
Coding change: c.307G>A on transcript NM_007272.3 (MANE Select); coding-DNA position 307, G replaced by A.
Protein change: p.Gly103Ser; replaces glycine 103 with serine.
Molecular consequence: missense variant.
Genome position (GRCh38, 1-based): chr1:15,442,523, G>A. VCF-style: chr1-15442523-G-A. GRCh37 (hg19) VCF-style: chr1-15769019-G-A.
Other names: short protein forms G103S.
Identifiers: ClinVar variation 1727356 (VCV001727356.2), dbSNP rs935672293, ClinGen allele CA18251799.